The following is an entry in ClinVar:

NM_198252.3(GSN):c.1711C>G (p.Leu571Val)

Gene: GSN (gelsolin; plus strand). Cytogenetic location: 9q33.2.
Variant type: single nucleotide variant.
Coding change: c.1711C>G on transcript NM_198252.3 (MANE Select); coding-DNA position 1711, C replaced by G.
Protein change: p.Leu571Val; replaces leucine 571 with valine.
Molecular consequence: missense variant.
Genome position (GRCh38, 1-based): chr9:121,327,431, C>G. VCF-style: chr9-121327431-C-G. GRCh37 (hg19) VCF-style: chr9-124089709-C-G.
Other names: c.1864C>G, p.Leu622Val (NM_000177.5); c.1711C>G, p.Leu571Val (NM_001127662.2, NM_001127664.2, NM_001127665.2 and 10 more transcripts); c.1819C>G, p.Leu607Val (NM_001127663.2); c.1744C>G, p.Leu582Val (NM_001127666.2, NM_001127667.2, NM_001353063.2 and 13 more transcripts); c.1762C>G, p.Leu588Val (NM_001258029.2); c.1735C>G, p.Leu579Val (NM_001258030.2); c.1783C>G, p.Leu595Val (NM_001353076.2); c.1057C>G, p.Leu353Val (NM_001353078.2); short protein forms L595V, L607V, L579V, L622V, L571V, L582V, L353V, L588V.
Identifiers: ClinVar variation 1781552 (VCV001781552.2), dbSNP rs2541257025, ClinGen allele CA374756014.

ClinVar aggregate classification (germline): Uncertain significance (1 of 4 stars; one submission).

Conditions:
Inborn genetic diseases. Identifiers: MedGen C0950123, MeSH D030342.

Submission:

Ambry Genetics
Classification: Uncertain significance for Inborn genetic diseases. Last evaluated: 2022-06-21. Review status: criteria provided, single submitter. Criteria: Ambry Variant Classification Scheme 2023. Collection method: clinical testing. Allele origin: germline.
Comment: The p.L622V variant (also known as c.1864C>G), located in coding exon 13 of the GSN gene, results from a C to G substitution at nucleotide position 1864. The leucine at codon 622 is replaced by valine, an amino acid with highly similar properties. This amino acid position is conserved. In addition, this alteration is predicted to be tolerated by in silico analysis. Since supporting evidence is limited at this time, the clinical significance of this alteration remains unclear.